The following is an entry in ClinVar:

ClinVar aggregate classification (germline): Uncertain significance (1 of 4 stars; one submission).

gnomAD v4.1: 19 of 1,613,954 alleles (0.0012%); highest among the groups gnomAD compares: African/African-American, 0.0067%; no homozygotes.

Submission:

Labcorp Genetics (formerly Invitae), Labcorp
Classification: Uncertain significance. Last evaluated: 2024-02-22. Review status: criteria provided, single submitter. Criteria: Invitae Variant Classification Sherloc (09022015). Collection method: clinical testing. Allele origin: germline.
Comment: This sequence change replaces arginine, which is basic and polar, with threonine, which is neutral and polar, at codon 335 of the DHX32 protein (p.Arg335Thr). This variant is present in population databases (no rsID available, gnomAD 0.01%). This variant has not been reported in the literature in individuals affected with DHX32-related conditions. An algorithm developed to predict the effect of missense changes on protein structure and function (PolyPhen-2) suggests that this variant is likely to be disruptive. In summary, the available evidence is currently insufficient to determine the role of this variant in disease. Therefore, it has been classified as a Variant of Uncertain Significance.

NM_018180.3(DHX32):c.1004G>C (p.Arg335Thr)

Gene: DHX32 (DEAH-box helicase 32 (putative); minus strand). Cytogenetic location: 10q26.2.
Variant type: single nucleotide variant.
Coding change: c.1004G>C on transcript NM_018180.3 (MANE Select); coding-DNA position 1004, G replaced by C.
Protein change: p.Arg335Thr; replaces arginine 335 with threonine.
Molecular consequence: missense variant.
Genome position (GRCh38, 1-based): chr10:125,854,049, C>G on the plus strand (G>C on the coding strand, the complement: DHX32 is on the minus strand). VCF-style: chr10-125854049-C-G. GRCh37 (hg19) VCF-style: chr10-127542618-C-G.
Other names: short protein forms R335T.
Identifiers: ClinVar variation 3615049 (VCV003615049.2).